The following is an entry in ClinVar:

NM_018060.4(IARS2):c.101A>G (p.Gln34Arg)

Genes: IARS2 (isoleucyl-tRNA synthetase 2, mitochondrial; plus strand), LOC129932529 (ATAC-STARR-seq lymphoblastoid silent region 1823; plus strand). Cytogenetic location: 1q41.
Variant type: single nucleotide variant.
Coding change: c.101A>G on transcript NM_018060.4 (MANE Select); coding-DNA position 101, A replaced by G.
Protein change: p.Gln34Arg; replaces glutamine 34 with arginine.
Molecular consequence: missense variant.
Genome position (GRCh38, 1-based): chr1:220,094,317, A>G. VCF-style: chr1-220094317-A-G. GRCh37 (hg19) VCF-style: chr1-220267659-A-G.
Other names: short protein forms Q34R.
Identifiers: ClinVar variation 2020298 (VCV002020298.4), dbSNP rs2528481942, ClinGen allele CA344619271.
Genomic context (GRCh38, chr1:220,094,317, plus strand): 5'-CCCTGGCCACTGCCCGAAGTTTGTGGGGGACGCCCCGCCTTCCCTGCAGCCCGGGATGGC[A>G]AGGGGCGACGAAGAGGCTTCTGGTGCGGTCGGTCTCCGGGGCCAGTAACCACCAGCCGAA-3'
Protein context (NP_060530.3, residues 24-44): TPRLPCSPGW[Gln34Arg]GATKRLLVRS

ClinVar aggregate classification (germline): Uncertain significance (1 of 4 stars; one submission).

Submission:

Labcorp Genetics (formerly Invitae), Labcorp
Classification: Uncertain significance. Last evaluated: 2023-11-27. Review status: criteria provided, single submitter. Criteria: Invitae Variant Classification Sherloc (09022015). Collection method: clinical testing. Allele origin: germline.
Comment: This sequence change replaces glutamine, which is neutral and polar, with arginine, which is basic and polar, at codon 34 of the IARS2 protein (p.Gln34Arg). This variant is not present in population databases (gnomAD no frequency). This variant has not been reported in the literature in individuals affected with IARS2-related conditions. ClinVar contains an entry for this variant (Variation ID: 2020298). Algorithms developed to predict the effect of missense changes on protein structure and function output the following: SIFT: "Not Available"; PolyPhen-2: "Benign"; Align-GVGD: "Not Available". The arginine amino acid residue is found in multiple mammalian species, which suggests that this missense change does not adversely affect protein function. In summary, the available evidence is currently insufficient to determine the role of this variant in disease. Therefore, it has been classified as a Variant of Uncertain Significance.